The following is an entry in ClinVar:

NM_002474.3(MYH11):c.5836A>G (p.Arg1946Gly)

Genes: NDE1 (nudE neurodevelopment protein 1; plus strand), MYH11 (myosin heavy chain 11; minus strand). Cytogenetic location: 16p13.11.
Variant type: single nucleotide variant.
Coding change: c.5836A>G on transcript NM_002474.3 (MANE Select); coding-DNA position 5836, A replaced by G.
Protein change: p.Arg1946Gly; replaces arginine 1946 with glycine.
Molecular consequence: missense variant. On other transcripts: 3 prime UTR variant (2), intron variant (2).
Genome position (GRCh38, 1-based): chr16:15,704,074, T>C on the plus strand (A>G on the coding strand, the complement: MYH11 is on the minus strand). VCF-style: chr16-15704074-T-C. GRCh37 (hg19) VCF-style: chr16-15797931-T-C.
Other names: c.*58A>G (NM_001040113.2, NM_022844.3); c.5857A>G, p.Arg1953Gly (NM_001040114.2); c.947+7214T>C (NM_001143979.2, NM_017668.3); short protein forms R1946G, R1953G.
Identifiers: ClinVar variation 1749990 (VCV001749990.2), dbSNP rs1277442569, ClinGen allele CA394843830.

ClinVar aggregate classification (germline): Uncertain significance (1 of 4 stars; one submission).

Conditions:
Familial thoracic aortic aneurysm and aortic dissection (TAAD). Also called: Thoracic aortic aneurysms and dissections. Identifiers: Orphanet 91387, MedGen C4707243, MONDO:0019625.

Allele frequency attached by ClinVar (database versions not stated): gnomAD 0.00001.
gnomAD v4.1: 9 of 1,614,066 alleles (0.00056%); highest among the groups gnomAD compares: Non-Finnish European, 0.00068%; no homozygotes.

Submission:

Ambry Genetics
Classification: Uncertain significance for Familial thoracic aortic aneurysm and aortic dissection. Last evaluated: 2022-08-30. Review status: criteria provided, single submitter. Criteria: Ambry Variant Classification Scheme 2023. Collection method: clinical testing. Allele origin: germline.
Comment: The p.R1946G variant (also known as c.5836A>G), located in coding exon 40 of the MYH11 gene, results from an A to G substitution at nucleotide position 5836. The arginine at codon 1946 is replaced by glycine, an amino acid with dissimilar properties. This amino acid position is conserved. In addition, the in silico prediction for this alteration is inconclusive. Since supporting evidence is limited at this time, the clinical significance of this alteration remains unclear.